The following is an entry in ClinVar:

ClinVar aggregate classification (germline): Uncertain significance (1 of 4 stars; one submission).

Conditions:
Exostoses, multiple, type 2 (EXT2). Also called: Hereditary Multiple Osteochondromatosis, Type II; EXOSTOSES, MULTIPLE, TYPE II. Identifiers: Orphanet 321, MedGen C1851413, MONDO:0007586, OMIM 133701.

Submission:

Labcorp Genetics (formerly Invitae), Labcorp
Classification: Uncertain significance for Exostoses, multiple, type 2. Last evaluated: 2023-12-29. Review status: criteria provided, single submitter. Criteria: Invitae Variant Classification Sherloc (09022015). Collection method: clinical testing. Allele origin: germline.
Comment: This variant is a gross deletion of the genomic region encompassing exon(s) 9-10 of the EXT2 gene. This variant would be expected to be in-frame, preserving the integrity of the reading frame. This variant has not been reported in the literature in individuals affected with EXT2-related conditions. Experimental studies and prediction algorithms are not available or were not evaluated, and the functional significance of this variant is currently unknown. This variant disrupts a region of the EXT2 protein in which other variant(s) (p.Ile473Asn) have been observed in individuals with EXT2-related conditions (PMID: 24120389). This suggests that this is a clinically significant region of the protein, and that variants that disrupt it are likely to be disease-causing. In summary, the available evidence is currently insufficient to determine the role of this variant in disease. Therefore, it has been classified as a Variant of Uncertain Significance.

Literature cited by the submitters: PubMed 24120389.

NC_000011.9:g.(?_44219359)_(44228529_?)del

Gene: EXT2 (exostosin glycosyltransferase 2; plus strand). Cytogenetic location: 11p11.2.
Variant type: Deletion.
Identifiers: ClinVar variation 1438466 (VCV001438466.8).